The following is an entry in ClinVar:

NM_015158.5(KANK1):c.3043del (p.Glu1015fs)

Gene: KANK1 (KN motif and ankyrin repeat domains 1; plus strand). Cytogenetic location: 9p24.3.
Variant type: Deletion.
Coding change: c.3043del on transcript NM_015158.5 (MANE Select); coding-DNA position 3043, one base deleted (G; older notation c.3043delG).
Protein change: p.Glu1015fs; shifts the reading frame from glutamic acid 1015.
Molecular consequence: frameshift variant. On other transcripts: intron variant (5).
Genome position (GRCh38, 1-based): chr9:732,415, G deleted. VCF-style (leftmost placement, unchanged base first): chr9-732414-TG-T. GRCh37 (hg19) VCF-style: chr9-732414-TG-T.
Other names: c.3043del, p.Glu1015fs (NM_001256876.3, NM_001256877.3, NM_001354334.2); c.2989del, p.Glu997fs (NM_001354332.2); c.2569del, p.Glu857fs (NM_001354333.2, NM_001354335.2, NM_001354337.2 and 2 more transcripts); c.2515del, p.Glu839fs (NM_001354338.2, NM_001354340.2, NM_001354344.2); c.3005+1149del (NM_001354331.2); c.2477+1149del (NM_001354336.2); c.2531+1149del (NM_001354339.2, NM_001354343.2, NM_001354342.2); short protein forms E857fs, E997fs, E1015fs, E839fs.
Identifiers: ClinVar variation 4041018 (VCV004041018.1).
Genomic context (GRCh38, chr9:732,414, plus strand): 5'-CCTGAAATCCCAATTGCCACCTAGGTATGAAACAACTTCAAGTGATGATTCCAGCTCAGA[TG>T]AAAGCTCTTCTTCCGAGTCAGATGACGAGTGTGATGTCATTGAGTATCCTCTTGAAGAAG-3'

ClinVar aggregate classification (germline): Uncertain significance (1 of 4 stars; one submission).

Submission:

Ambry Genetics
Classification: Uncertain significance. Last evaluated: 2025-05-07. Review status: criteria provided, single submitter. Criteria: Ambry Variant Classification Scheme 2023. Collection method: clinical testing. Allele origin: germline.
Comment: Does not currently meet published gene-disease clinical validity criteria Based on insufficient or conflicting evidence, the clinical significance of this alteration remains unclear.

Literature cited by the submitters: PubMed 28106320.